The following is an entry in ClinVar:

NM_001040142.2(SCN2A):c.2639C>T (p.Ala880Val)

Gene: SCN2A (sodium voltage-gated channel alpha subunit 2; plus strand). Cytogenetic location: 2q24.3.
Variant type: single nucleotide variant.
Coding change: c.2639C>T on transcript NM_001040142.2 (MANE Select); coding-DNA position 2639, C replaced by T.
Protein change: p.Ala880Val; replaces alanine 880 with valine.
Molecular consequence: missense variant.
Genome position (GRCh38, 1-based): chr2:165,344,631, C>T. VCF-style: chr2-165344631-C-T. GRCh37 (hg19) VCF-style: chr2-166201141-C-T.
Other names: c.2639C>T, p.Ala880Val (NM_001040143.2, NM_001371246.1, NM_001371247.1 and 1 more transcripts); c.2639C>T (NM_021007.2); short protein forms A880V.
Identifiers: ClinVar variation 4880189 (VCV004880189.2).

ClinVar aggregate classification (germline): Pathogenic/Likely pathogenic. Review status: criteria provided, multiple submitters, no conflicts (2 of 4 stars). 2 submissions from 2 submitters: Pathogenic (1); Likely pathogenic (1). Last evaluated 2026-04-28.

Conditions:
Developmental and epileptic encephalopathy, 11 (DEE11). Also called: Early infantile epileptic encephalopathy 11. Identifiers: Orphanet 1934, MedGen C3150987, MONDO:0013388, OMIM 613721.

Submissions (2):

Wales Gene Park, Division Of Cancer and Genetics, Cardiff University
Classification: Likely pathogenic for Developmental and epileptic encephalopathy, 11. Last evaluated: 2026-04-28. Review status: criteria provided, single submitter. Criteria: ACGS Best Practice Guidelines for Variant Classification in Rare Disease 2024. Collection method: research. Allele origin: somatic. Inheritance: Autosomal dominant inheritance. Affected: yes. Study: 100,000 Genomes Project (Wales).
Comment: Not in gnomAD (v4.1.1). Phenotype consistent with gene but not highly specific. REVEL score 0.963. Constrained gene (gnomAD missense Z score 10.07). Other missense changes at same residue reported in ClinVar as pathogenic (p.Ala880Thr, p.Ala880Ser). Evidence codes: PS2_moderate, PM2, PM5, PP2, PP3.

GeneDx
Classification: Pathogenic. Last evaluated: 2026-02-11. Review status: criteria provided, single submitter. Criteria: GeneDx Variant Classification Process June 2021. Collection method: clinical testing. Allele origin: germline.
Comment: Not observed at significant frequency in large population cohorts (gnomAD); In silico analysis supports that this missense variant has a deleterious effect on protein structure/function; This substitution is predicted to be within the transmembrane segment S5 of the second homologous domain; Has not been previously published as pathogenic or benign to our knowledge